The following is an entry in ClinVar:

ClinVar aggregate classification (germline): Benign (1 of 4 stars; one submission).

Conditions:
Combined oxidative phosphorylation defect type 8. Also called: CARDIOMYOPATHY, HYPERTROPHIC MITOCHONDRIAL, FATAL INFANTILE. Identifiers: Orphanet 319504, MedGen C4518839, MONDO:0013570, OMIM 614096.

Allele frequency attached by ClinVar (database versions not stated): 1000 Genomes Project 0.07508; 1000 Genomes Project 30x 0.07527; TOPMed 0.11436.
gnomAD v4.1: 18,622 of 152,256 alleles (12%); highest among the groups gnomAD compares: Non-Finnish European, 18%; 1,503 homozygotes.

Submissions (3):

Illumina Laboratory Services, Illumina
Classification: Benign for Combined oxidative phosphorylation defect type 8. Last evaluated: 2018-01-12. Review status: criteria provided, single submitter. Criteria: ICSL Variant Classification Criteria 13 December 2019. Collection method: clinical testing. Allele origin: germline.
Comment: This variant was observed in the ICSL laboratory as part of a predisposition screen in an ostensibly healthy population. It had not been previously curated by ICSL or reported in the Human Gene Mutation Database (HGMD: prior to June 1st, 2018), and was therefore a candidate for classification through an automated scoring system. Utilizing variant allele frequency, disease prevalence and penetrance estimates, and inheritance mode, an automated score was calculated to assess if this variant is too frequent to cause the disease. Based on the score and internal cut-off values, a variant classified as benign is not then subjected to further curation. The score for this variant resulted in a classification of benign for this disease.

Dr. Peter K. Rogan Lab, Western University
No classification provided (evidence only). Condition: Acute myeloid leukemia. Review status: no classification provided. Collection method: in vitro. Allele origin: not applicable. Functional consequence: retained intron. Not counted in ClinVar's aggregate classification.

Dr. Peter K. Rogan Lab, Western University
No classification provided (evidence only). Condition: Acute myeloid leukemia. Review status: no classification provided. Collection method: in vitro. Allele origin: not applicable. Functional consequence: retained intron. Not counted in ClinVar's aggregate classification.

NM_020745.4(AARS2):c.*1710G>T

Gene: AARS2 (alanyl-tRNA synthetase 2, mitochondrial; minus strand). Cytogenetic location: 6p21.1.
Variant type: single nucleotide variant.
Coding change: c.*1710G>T on transcript NM_020745.4 (MANE Select); 1710 bases downstream of the stop codon, G replaced by T.
Molecular consequence: 3 prime UTR variant.
Genome position (GRCh38, 1-based): chr6:44,298,837, C>A on the plus strand (G>T on the coding strand, the complement: AARS2 is on the minus strand). VCF-style: chr6-44298837-C-A. GRCh37 (hg19) VCF-style: chr6-44266574-C-A.
Other names: NC_000006.11:g.44266574C>A.
Identifiers: ClinVar variation 357024 (VCV000357024.6), dbSNP rs1056093, ClinGen allele CA10627018.